The following is an entry in ClinVar:

ClinVar aggregate classification (germline): Uncertain significance (1 of 4 stars; one submission).

Conditions:
Developmental and epileptic encephalopathy, 12 (DEE12). Identifiers: MedGen C3150988, MONDO:0013389, OMIM 613722.

Submission:

Labcorp Genetics (formerly Invitae), Labcorp
Classification: Uncertain significance for Early infantile epileptic encephalopathy 12. Last evaluated: 2018-11-15. Review status: criteria provided, single submitter. Criteria: Invitae Variant Classification Sherloc (09022015). Collection method: clinical testing. Allele origin: germline.
Comment: This variant results in a copy number gain of the genomic region encompassing exon 32 of the PLCB1 gene. The 5' boundary is likely confined to intron 31. The 3' end of this event is unknown as it extends beyond the assayed region for this gene and therefore may encompass additional genes. As the precise location of this event is unknown, it may be in tandem or it may be located elsewhere in the genome. This variant has not been reported in the literature in individuals with PLCB1-related disease. In summary, the available evidence is currently insufficient to determine the role of this variant in disease. Therefore, it has been classified as a Variant of Uncertain Significance.

NC_000020.10:g.(?_8862249)_(8862516_?)dup

Gene: PLCB1 (phospholipase C beta 1; plus strand). Cytogenetic location: 20p12.3.
Variant type: Duplication.
Identifiers: ClinVar variation 640459 (VCV000640459.1).